The following is an entry in ClinVar:

NM_201384.3(PLEC):c.9579C>T (p.Gly3193=)

Gene: PLEC (plectin; minus strand). Cytogenetic location: 8q24.3.
Variant type: single nucleotide variant.
Coding change: c.9579C>T on transcript NM_201384.3 (MANE Select); coding-DNA position 9579, C replaced by T.
Protein change: p.Gly3193=; no amino-acid change (glycine 3193 retained).
Molecular consequence: synonymous variant.
Genome position (GRCh38, 1-based): chr8:143,920,242, G>A on the plus strand (C>T on the coding strand, the complement: PLEC is on the minus strand). VCF-style: chr8-143920242-G-A. GRCh37 (hg19) VCF-style: chr8-144994410-G-A.
Other names: c.9660C>T, p.Gly3220= (NM_000445.5); c.9537C>T, p.Gly3179= (NM_201378.4); c.9513C>T, p.Gly3171= (NM_201379.3); c.9990C>T, p.Gly3330= (NM_201380.4); c.9483C>T, p.Gly3161= (NM_201381.3); c.9579C>T, p.Gly3193= (NM_201382.4); c.9591C>T, p.Gly3197= (NM_201383.3).
Identifiers: ClinVar variation 539055 (VCV000539055.12), dbSNP rs782053941, ClinGen allele CA4924924.

ClinVar aggregate classification (germline): Likely benign. Review status: criteria provided, multiple submitters, no conflicts (2 of 4 stars). 2 submissions from 2 submitters: Likely benign (2). Last evaluated 2026-04-12.

Conditions:
PLEC-related disorder. Also called: PLEC-related disorders; PLEC-related condition.
Epidermolysis bullosa simplex, Ogna type (EBS5A). Also called: Pidermolysis bullosa simplex 5A, Ogna type; EPIDERMOLYSIS BULLOSA SIMPLEX 5A, OGNA TYPE. Identifiers: Orphanet 79401, MedGen C0432317, MONDO:0007555, OMIM 131950.
Epidermolysis bullosa simplex 5B, with muscular dystrophy (EBS5B). Also called: Epidermolysis bullosa simplex with muscular dystrophy; EPIDERMOLYSIS BULLOSA SIMPLEX AND LIMB-GIRDLE MUSCULAR DYSTROPHY. Identifiers: Orphanet 257, MedGen C2931072, MONDO:0009181, OMIM 226670.
Epidermolysis bullosa simplex with nail dystrophy (EBS5D). Identifiers: MedGen C4225309, MONDO:0014661, OMIM 616487.
Autosomal recessive limb-girdle muscular dystrophy type 2Q (LGMDR17). Also called: MUSCULAR DYSTROPHY, LIMB-GIRDLE, AUTOSOMAL RECESSIVE 17. Identifiers: Orphanet 254361, MedGen C3150989, MONDO:0013390, OMIM 613723.
Epidermolysis bullosa simplex 5C, with pyloric atresia (EBS5C). Also called: PLEC-Related Epidermolysis Bullosa with Pyloric Atresia; Epidermolysis bullosa simplex with pyloric atresia; PLEC1-Related Epidermolysis Bullosa with Pyloric Atresia. Identifiers: Orphanet 158684, MedGen C2677349, MONDO:0012807, OMIM 612138.

Allele frequency attached by ClinVar (database versions not stated): gnomAD 0.00004 and 0.00005; gnomAD exomes 0.00005 and 0.00010; TOPMed 0.00007; ExAC 0.00012.
gnomAD v4.1: 80 of 1,599,786 alleles (0.005%); highest among the groups gnomAD compares: Middle Eastern, 0.082%; no homozygotes.

Submissions (2):

PreventionGenetics, part of Exact Sciences
Classification: Likely benign for PLEC-related condition. Last evaluated: 2026-04-12. Review status: criteria provided, single submitter. Criteria: ACMG Guidelines, 2015. Collection method: clinical testing. Allele origin: germline.
Comment: This variant is classified as likely benign based on ACMG/AMP sequence variant interpretation guidelines (Richards et al. 2015 PMID: 25741868, with internal and published modifications).

Labcorp Genetics (formerly Invitae), Labcorp
Classification: Likely benign for Autosomal recessive limb-girdle muscular dystrophy type 2Q; Epidermolysis bullosa simplex, Ogna type; Epidermolysis bullosa simplex with nail dystrophy; Epidermolysis bullosa simplex 5C, with pyloric atresia; Epidermolysis bullosa simplex 5B, with muscular dystrophy. Last evaluated: 2025-07-27. Review status: criteria provided, single submitter. Criteria: Invitae Variant Classification Sherloc (09022015). Collection method: clinical testing. Allele origin: germline.